The following is an entry in ClinVar:

NM_201384.3(PLEC):c.3406C>T (p.Arg1136Trp)

Gene: PLEC (plectin; minus strand). Cytogenetic location: 8q24.3.
Variant type: single nucleotide variant.
Coding change: c.3406C>T on transcript NM_201384.3 (MANE Select); coding-DNA position 3406, C replaced by T.
Protein change: p.Arg1136Trp; replaces arginine 1136 with tryptophan.
Molecular consequence: missense variant.
Genome position (GRCh38, 1-based): chr8:143,927,760, G>A on the plus strand (C>T on the coding strand, the complement: PLEC is on the minus strand). VCF-style: chr8-143927760-G-A. GRCh37 (hg19) VCF-style: chr8-145001928-G-A.
Other names: c.3487C>T (NM_000445.3); c.3487C>T, p.Arg1163Trp (NM_000445.5, NM_001410941.1); c.3364C>T, p.Arg1122Trp (NM_201378.4); c.3340C>T, p.Arg1114Trp (NM_201379.3); c.3817C>T, p.Arg1273Trp (NM_201380.4); c.3310C>T, p.Arg1104Trp (NM_201381.3); c.3406C>T, p.Arg1136Trp (NM_201382.4); c.3418C>T, p.Arg1140Trp (NM_201383.3); short protein forms R1140W, R1114W, R1136W, R1163W, R1273W, R1104W, R1122W.
Identifiers: ClinVar variation 2153041 (VCV002153041.7), dbSNP rs782622571, ClinGen allele CA4927073.

ClinVar aggregate classification (germline): Uncertain significance. Review status: criteria provided, multiple submitters, no conflicts (2 of 4 stars). 2 submissions from 2 submitters: Uncertain significance (2). Last evaluated 2024-09-17.

Conditions:
Epidermolysis bullosa simplex with nail dystrophy (EBS5D). Identifiers: MedGen C4225309, MONDO:0014661, OMIM 616487.
Epidermolysis bullosa simplex 5B, with muscular dystrophy (EBS5B). Also called: EPIDERMOLYSIS BULLOSA SIMPLEX AND LIMB-GIRDLE MUSCULAR DYSTROPHY; Epidermolysis bullosa simplex with muscular dystrophy. Identifiers: Orphanet 257, MedGen C2931072, MONDO:0009181, OMIM 226670.
Epidermolysis bullosa simplex, Ogna type (EBS5A). Also called: Pidermolysis bullosa simplex 5A, Ogna type; EPIDERMOLYSIS BULLOSA SIMPLEX 5A, OGNA TYPE. Identifiers: Orphanet 79401, MedGen C0432317, MONDO:0007555, OMIM 131950.
Autosomal recessive limb-girdle muscular dystrophy type 2Q (LGMDR17). Also called: MUSCULAR DYSTROPHY, LIMB-GIRDLE, AUTOSOMAL RECESSIVE 17. Identifiers: Orphanet 254361, MedGen C3150989, MONDO:0013390, OMIM 613723.
Epidermolysis bullosa simplex 5C, with pyloric atresia (EBS5C). Also called: Epidermolysis bullosa simplex with pyloric atresia; PLEC-Related Epidermolysis Bullosa with Pyloric Atresia; PLEC1-Related Epidermolysis Bullosa with Pyloric Atresia. Identifiers: Orphanet 158684, MedGen C2677349, MONDO:0012807, OMIM 612138.

Allele frequency attached by ClinVar (database versions not stated): TOPMed below 0.00001; gnomAD 0.00001; gnomAD exomes 0.00001; ExAC 0.00004.
gnomAD v4.1: 16 of 1,599,404 alleles (0.001%); highest among the groups gnomAD compares: South Asian, 0.0078%; no homozygotes.

Submissions (2):

Labcorp Genetics (formerly Invitae), Labcorp
Classification: Uncertain significance for Autosomal recessive limb-girdle muscular dystrophy type 2Q; Epidermolysis bullosa simplex, Ogna type; Epidermolysis bullosa simplex with nail dystrophy; Epidermolysis bullosa simplex 5C, with pyloric atresia; Epidermolysis bullosa simplex 5B, with muscular dystrophy. Last evaluated: 2024-09-17. Review status: criteria provided, single submitter. Criteria: Invitae Variant Classification Sherloc (09022015). Collection method: clinical testing. Allele origin: germline.
Comment: This sequence change replaces arginine, which is basic and polar, with tryptophan, which is neutral and slightly polar, at codon 1163 of the PLEC protein (p.Arg1163Trp). The frequency data for this variant in the population databases is considered unreliable, as metrics indicate poor data quality at this position in the gnomAD database. This variant has not been reported in the literature in individuals affected with PLEC-related conditions. ClinVar contains an entry for this variant (Variation ID: 2153041). Invitae Evidence Modeling of protein sequence and biophysical properties (such as structural, functional, and spatial information, amino acid conservation, physicochemical variation, residue mobility, and thermodynamic stability) indicates that this missense variant is not expected to disrupt PLEC protein function with a negative predictive value of 80%. In summary, the available evidence is currently insufficient to determine the role of this variant in disease. Therefore, it has been classified as a Variant of Uncertain Significance.

Revvity Omics, Revvity
Classification: Uncertain significance. Last evaluated: 2019-12-16. Review status: criteria provided, single submitter. Criteria: ACMG Guidelines, 2015. Collection method: clinical testing. Allele origin: germline.